The following is an entry in ClinVar:

ClinVar aggregate classification (germline): Uncertain significance (1 of 4 stars; one submission).

Allele frequency attached by ClinVar (database versions not stated): ExAC 0.00003; TOPMed below 0.00001; gnomAD exomes 0.00001.
gnomAD v4.1: 13 of 1,605,730 alleles (0.00081%); highest among the groups gnomAD compares: Non-Finnish European, 0.00085%; no homozygotes.

Submissions (2):

Labcorp Genetics (formerly Invitae), Labcorp
Classification: Uncertain significance. Last evaluated: 2021-07-14. Review status: criteria provided, single submitter. Criteria: Invitae Variant Classification Sherloc (09022015). Collection method: clinical testing. Allele origin: germline.
Comment: This sequence change affects an acceptor splice site in intron 11 of the GPAA1 gene. While this variant is not anticipated to result in nonsense mediated decay, it likely alters RNA splicing and results in a disrupted protein product. This variant is present in population databases (rs200574909, ExAC 0.005%). This variant has not been reported in the literature in individuals affected with GPAA1-related conditions. Nucleotide substitutions within the consensus splice site are a relatively common cause of aberrant splicing (PMID: 17576681, 9536098). Algorithms developed to predict the effect of sequence changes on RNA splicing suggest that this variant may disrupt the consensus splice site. In summary, the available evidence is currently insufficient to determine the role of this variant in disease. Therefore, it has been classified as a Variant of Uncertain Significance.

Dr. Peter K. Rogan Lab, Western University
No classification provided (evidence only). Condition: Clear cell carcinoma of kidney. Review status: no classification provided. Collection method: in vitro. Allele origin: not applicable. Functional consequence: retained intron. Not counted in ClinVar's aggregate classification.

Literature cited by the submitters: PubMed 17576681 (cited by Labcorp Genetics (formerly Invitae), Labcorp); PubMed 9536098 (cited by Labcorp Genetics (formerly Invitae), Labcorp).

NM_003801.4(GPAA1):c.1623-1G>A

Gene: GPAA1 (glycosylphosphatidylinositol anchor attachment 1; plus strand). Cytogenetic location: 8q24.3.
Variant type: single nucleotide variant.
Coding change: c.1623-1G>A on transcript NM_003801.4 (MANE Select); the canonical splice acceptor site of the intron before coding-DNA position 1623, G replaced by A.
Molecular consequence: splice acceptor variant.
Genome position (GRCh38, 1-based): chr8:144,085,881, G>A. VCF-style: chr8-144085881-G-A. GRCh37 (hg19) VCF-style: chr8-145140784-G-A.
Identifiers: ClinVar variation 1496955 (VCV001496955.6), dbSNP rs200574909, ClinGen allele CA4933223.